The following is an entry in ClinVar:

ClinVar aggregate classification (germline): Benign/Likely benign. Review status: criteria provided, multiple submitters, no conflicts (2 of 4 stars). 3 submissions from 3 submitters: Benign (1); Likely benign (2). Last evaluated 2023-03-07.

Conditions:
Hypertrophic cardiomyopathy 12. Identifiers: MedGen C2677491, MONDO:0012804, OMIM 612124.
Dilated cardiomyopathy 1M (CMD1M). Identifiers: Orphanet 154, MedGen C1843808, MONDO:0011840, OMIM 607482.

Allele frequency attached by ClinVar (database versions not stated): gnomAD below 0.00001 and 0.00003; gnomAD exomes 0.00010 and 0.00005; TOPMed 0.00001; ExAC 0.00014.
gnomAD v4.1: 71 of 1,599,022 alleles (0.0044%); highest among the groups gnomAD compares: South Asian, 0.074%; no homozygotes.

Submissions (3):

Labcorp Genetics (formerly Invitae), Labcorp
Classification: Benign for Hypertrophic cardiomyopathy 12; Dilated cardiomyopathy 1M. Last evaluated: 2023-03-07. Review status: criteria provided, single submitter. Criteria: Invitae Variant Classification Sherloc (09022015). Collection method: clinical testing. Allele origin: germline.

GeneDx
Classification: Likely benign. Last evaluated: 2017-12-27. Review status: criteria provided, single submitter. Criteria: GeneDx Variant Classification (06012015). Collection method: clinical testing. Allele origin: germline. Affected: yes.
Comment: This variant is considered likely benign or benign based on one or more of the following criteria: it is a conservative change, it occurs at a poorly conserved position in the protein, it is predicted to be benign by multiple in silico algorithms, and/or has population frequency not consistent with disease.

Laboratory for Molecular Medicine, Mass General Brigham Personalized Medicine
Classification: Likely benign. Last evaluated: 2013-04-20. Review status: criteria provided, single submitter. Criteria: LMM Criteria. Collection method: clinical testing. Allele origin: germline. Observed: 1 variant allele.
Comment: 508+9T>C in intron 5 of CSRP3: This variant is not expected to have clinical sig nificance because it is not located within the splice consensus sequence. 508+9 T>C in intron 5 of CSRP3 (allele frequency = n/a)

NM_003476.5(CSRP3):c.508+9T>C

Gene: CSRP3 (cysteine and glycine rich protein 3; minus strand). Cytogenetic location: 11p15.1.
Variant type: single nucleotide variant.
Coding change: c.508+9T>C on transcript NM_003476.5 (MANE Select); 9 bases into the intron after coding-DNA position 508, T replaced by C.
Molecular consequence: intron variant.
Genome position (GRCh38, 1-based): chr11:19,184,943, A>G on the plus strand (T>C on the coding strand, the complement: CSRP3 is on the minus strand). VCF-style: chr11-19184943-A-G. GRCh37 (hg19) VCF-style: chr11-19206490-A-G.
Other names: c.339+9T>C (NM_001369404.1).
Identifiers: ClinVar variation 178892 (VCV000178892.11), dbSNP rs727504517, ClinGen allele CA183241.
Genomic context (GRCh38, chr11:19,184,943, plus strand): 5'-ACGTAATTTCCTCTCCCAAGGGCCCTTTTAGGGAAAACATATTTCAAGAAAGTCTCCAGA[A>G]TCACTCACCTTTGCAATAAAGTTCCCCATCTTTGTCAGTGACATTTGTGGACTCCAGACT-3'